The following is an entry in ClinVar:

NM_006265.3(RAD21):c.1811A>G (p.Lys604Arg)

Gene: RAD21 (RAD21 cohesin complex component; minus strand). Cytogenetic location: 8q24.11.
Variant type: single nucleotide variant.
Coding change: c.1811A>G on transcript NM_006265.3 (MANE Select); coding-DNA position 1811, A replaced by G.
Protein change: p.Lys604Arg; replaces lysine 604 with arginine.
Molecular consequence: missense variant.
Genome position (GRCh38, 1-based): chr8:116,847,585, T>C on the plus strand (A>G on the coding strand, the complement: RAD21 is on the minus strand). VCF-style: chr8-116847585-T-C. GRCh37 (hg19) VCF-style: chr8-117859824-T-C.
Other names: short protein forms K604R.
Identifiers: ClinVar variation 1780587 (VCV001780587.5), dbSNP rs367562161, ClinGen allele CA4852679.

ClinVar aggregate classification (germline): Uncertain significance. Review status: criteria provided, multiple submitters, no conflicts (2 of 4 stars). 2 submissions from 2 submitters: Uncertain significance (2). Last evaluated 2024-10-01.

Conditions:
Cornelia de Lange syndrome 4 (CDLS4). Also called: RAD21-Related Cornelia de Lange Syndrome; CORNELIA DE LANGE SYNDROME 4 WITH OR WITHOUT MIDLINE BRAIN DEFECTS. Identifiers: Orphanet 199, MedGen C3553517, MONDO:0013864, OMIM 614701.
Inborn genetic diseases. Identifiers: MedGen C0950123, MeSH D030342.

Allele frequency attached by ClinVar (database versions not stated): gnomAD exomes 0.00001; ExAC 0.00002; gnomAD 0.00002; TOPMed 0.00002; ESP Exome Variant Server 0.00015.
gnomAD v4.1: 19 of 1,614,046 alleles (0.0012%); highest among the groups gnomAD compares: Admixed American, 0.0033%; no homozygotes.

Submissions (2):

Labcorp Genetics (formerly Invitae), Labcorp
Classification: Uncertain significance for Cornelia de Lange syndrome 4. Last evaluated: 2024-10-01. Review status: criteria provided, single submitter. Criteria: Invitae Variant Classification Sherloc (09022015). Collection method: clinical testing. Allele origin: germline.
Comment: This sequence change replaces lysine, which is basic and polar, with arginine, which is basic and polar, at codon 604 of the RAD21 protein (p.Lys604Arg). This variant is present in population databases (rs367562161, gnomAD 0.004%). This variant has not been reported in the literature in individuals affected with RAD21-related conditions. ClinVar contains an entry for this variant (Variation ID: 1780587). Invitae Evidence Modeling of protein sequence and biophysical properties (such as structural, functional, and spatial information, amino acid conservation, physicochemical variation, residue mobility, and thermodynamic stability) indicates that this missense variant is not expected to disrupt RAD21 protein function with a negative predictive value of 80%. In summary, the available evidence is currently insufficient to determine the role of this variant in disease. Therefore, it has been classified as a Variant of Uncertain Significance.

Ambry Genetics
Classification: Uncertain significance for Inborn genetic diseases. Last evaluated: 2018-12-06. Review status: criteria provided, single submitter. Criteria: Ambry Variant Classification Scheme 2023. Collection method: clinical testing. Allele origin: germline.
Comment: The p.K604R variant (also known as c.1811A>G), located in coding exon 13 of the RAD21 gene, results from an A to G substitution at nucleotide position 1811. The lysine at codon 604 is replaced by arginine, an amino acid with highly similar properties. This amino acid position is highly conserved in available vertebrate species. In addition, the in silico prediction for this alteration is inconclusive. Since supporting evidence is limited at this time, the clinical significance of this alteration remains unclear.

Literature cited by the submitters: PubMed 28441377 (cited by Ambry Genetics).